The following is an entry in ClinVar:

NM_198075.4(LRRC56):c.191G>A (p.Arg64Gln)

Gene: LRRC56 (leucine rich repeat containing 56; plus strand). Cytogenetic location: 11p15.5.
Variant type: single nucleotide variant.
Coding change: c.191G>A on transcript NM_198075.4 (MANE Select); coding-DNA position 191, G replaced by A.
Protein change: p.Arg64Gln; replaces arginine 64 with glutamine.
Molecular consequence: missense variant.
Genome position (GRCh38, 1-based): chr11:541,550, G>A. VCF-style: chr11-541550-G-A. GRCh37 (hg19) VCF-style: chr11-541550-G-A.
Other names: short protein forms R64Q.
Identifiers: ClinVar variation 1372576 (VCV001372576.5), dbSNP rs143908864, ClinGen allele CA5779551.

ClinVar aggregate classification (germline): Uncertain significance (1 of 4 stars; one submission).

gnomAD v4.1: 137 of 1,578,212 alleles (0.0087%); highest among the groups gnomAD compares: East Asian, 0.046%; no homozygotes.

Submission:

Labcorp Genetics (formerly Invitae), Labcorp
Classification: Uncertain significance. Last evaluated: 2025-12-03. Review status: criteria provided, single submitter. Criteria: Invitae Variant Classification Sherloc (09022015). Collection method: clinical testing. Allele origin: germline.
Comment: This sequence change replaces arginine, which is basic and polar, with glutamine, which is neutral and polar, at codon 64 of the LRRC56 protein (p.Arg64Gln). This variant is present in population databases (rs143908864, gnomAD 0.05%). This variant has not been reported in the literature in individuals affected with LRRC56-related conditions. ClinVar contains an entry for this variant (Variation ID: 1372576). Invitae Evidence Modeling of protein sequence and biophysical properties (such as structural, functional, and spatial information, amino acid conservation, physicochemical variation, residue mobility, and thermodynamic stability) indicates that this missense variant is not expected to disrupt LRRC56 protein function with a negative predictive value of 80%. In summary, the available evidence is currently insufficient to determine the role of this variant in disease. Therefore, it has been classified as a Variant of Uncertain Significance.